The following is an entry in ClinVar:

NM_152703.5(SAMD9L):c.2929G>T (p.Ala977Ser)

Gene: SAMD9L (sterile alpha motif domain containing 9 like; minus strand). Cytogenetic location: 7q21.2.
Variant type: single nucleotide variant.
Coding change: c.2929G>T on transcript NM_152703.5 (MANE Select); coding-DNA position 2929, G replaced by T.
Protein change: p.Ala977Ser; replaces alanine 977 with serine.
Molecular consequence: missense variant.
Genome position (GRCh38, 1-based): chr7:93,133,043, C>A on the plus strand (G>T on the coding strand, the complement: SAMD9L is on the minus strand). VCF-style: chr7-93133043-C-A. GRCh37 (hg19) VCF-style: chr7-92762356-C-A.
Other names: c.2929G>T, p.Ala977Ser (NM_001350083.2, NM_001350084.2, NM_001350085.2 and 5 more transcripts); short protein forms A977S.
Identifiers: ClinVar variation 5028850 (VCV005028850.1).

ClinVar aggregate classification (germline): Uncertain significance (1 of 4 stars; one submission).

Conditions:
Inborn genetic diseases. Identifiers: MedGen C0950123, MeSH D030342.

Submission:

Ambry Genetics
Classification: Uncertain significance for Inborn genetic diseases. Last evaluated: 2026-06-22. Review status: criteria provided, single submitter. Criteria: Ambry Variant Classification Scheme 2023. Collection method: clinical testing. Allele origin: germline.
Comment: The p.A977S variant (also known as c.2929G>T), located in coding exon 1 of the SAMD9L gene, results from a G to T substitution at nucleotide position 2929. The alanine at codon 977 is replaced by serine, an amino acid with similar properties. This amino acid position is conserved. In addition, this alteration is predicted to be tolerated by in silico analysis. Based on the available evidence, the clinical significance of this variant remains unclear.